The following is an entry in ClinVar:

NM_003235.5(TG):c.2762-4del

Gene: TG (thyroglobulin; plus strand). Cytogenetic location: 8q24.22.
Variant type: Deletion.
Coding change: c.2762-4del on transcript NM_003235.5 (MANE Select); 4 bases into the intron before coding-DNA position 2762, one base deleted (C; older notation c.2762-4delC).
Molecular consequence: intron variant.
Genome position (GRCh38, 1-based): chr8:132,893,686, C deleted; the last of 4 consecutive C bases (chr8:132,893,683-132,893,686); deleting any one gives the same sequence. VCF-style (leftmost placement, unchanged base first): chr8-132893682-TC-T. GRCh37 (hg19) VCF-style: chr8-133905927-TC-T.
Other names: c.2762-4delC (NM_003235.4).
Identifiers: ClinVar variation 2977891 (VCV002977891.5), dbSNP rs758239399, ClinGen allele CA4883492.

ClinVar aggregate classification (germline): Benign. Review status: criteria provided, single submitter (1 of 4 stars). 2 submissions from 2 submitters: Benign (1). 1 of the submissions does not count toward it. Last evaluated 2025-12-26.

Conditions:
TG-related disorder. Also called: TG-related condition; TG-related disorders.

Submissions (2):

Labcorp Genetics (formerly Invitae), Labcorp
Classification: Benign. Last evaluated: 2025-12-26. Review status: criteria provided, single submitter. Criteria: Invitae Variant Classification Sherloc (09022015). Collection method: clinical testing. Allele origin: germline.

PreventionGenetics, part of Exact Sciences
Classification: Likely benign for TG-related condition. Last evaluated: 2019-04-05. Review status: no assertion criteria provided. Collection method: clinical testing. Allele origin: germline. Not counted in ClinVar's aggregate classification.
Comment: This variant is classified as likely benign based on ACMG/AMP sequence variant interpretation guidelines (Richards et al. 2015 PMID: 25741868, with internal and published modifications).